The following is an entry in ClinVar:

ClinVar aggregate classification (germline): Uncertain significance. Review status: criteria provided, multiple submitters, no conflicts (2 of 4 stars). 3 submissions from 3 submitters: Uncertain significance (3). Last evaluated 2026-03-19.

Conditions:
Hereditary nonpolyposis colorectal neoplasms. Identifiers: MedGen C0009405, MeSH D003123.
Hereditary cancer-predisposing syndrome. Also called: Neoplastic Syndromes, Hereditary; Tumor predisposition; Hereditary Cancer Syndrome; Hereditary neoplastic syndrome. Identifiers: Orphanet 140162, MedGen C0027672, MeSH D009386, MONDO:0015356.

Submissions (3):

Ambry Genetics
Classification: Uncertain significance for Hereditary cancer-predisposing syndrome. Last evaluated: 2026-03-19. Review status: criteria provided, single submitter. Criteria: Ambry Variant Classification Scheme 2023. Collection method: clinical testing. Allele origin: germline.
Comment: The p.S220T variant (also known as c.659G>C), located in coding exon 6 of the PMS2 gene, results from a G to C substitution at nucleotide position 659. The serine at codon 220 is replaced by threonine, an amino acid with similar properties. This amino acid position is not well conserved in available vertebrate species. In addition, this alteration is predicted to be tolerated by in silico analysis. Based on the available evidence, the clinical significance of this variant remains unclear.

Labcorp Genetics (formerly Invitae), Labcorp
Classification: Uncertain significance for Hereditary nonpolyposis colorectal neoplasms. Last evaluated: 2022-11-15. Review status: criteria provided, single submitter. Criteria: Invitae Variant Classification Sherloc (09022015). Collection method: clinical testing. Allele origin: germline.
Comment: In summary, the available evidence is currently insufficient to determine the role of this variant in disease. Therefore, it has been classified as a Variant of Uncertain Significance. Advanced modeling of protein sequence and biophysical properties (such as structural, functional, and spatial information, amino acid conservation, physicochemical variation, residue mobility, and thermodynamic stability) performed at Invitae indicates that this missense variant is not expected to disrupt PMS2 protein function. This variant has not been reported in the literature in individuals affected with PMS2-related conditions. This variant is not present in population databases (gnomAD no frequency). This sequence change replaces serine, which is neutral and polar, with threonine, which is neutral and polar, at codon 220 of the PMS2 protein (p.Ser220Thr).

Quest Diagnostics Nichols Institute San Juan Capistrano
Classification: Uncertain significance. Last evaluated: 2022-10-04. Review status: criteria provided, single submitter. Criteria: Quest Diagnostics criteria. Collection method: clinical testing. Allele origin: unknown.
Comment: This variant has not been described in online databases and, to the best of our knowledge, the variant has not been reported in the published literature. It also has not been reported in large, multi-ethnic general populations. Analysis of this variant using bioinformatics tools for the prediction of the effect of amino acid changes on protein structure and function yielded predictions that this variant is benign. Based on the available information, we are unable to determine the clinical significance of this variant.

NM_000535.7(PMS2):c.659G>C (p.Ser220Thr)

Gene: PMS2 (PMS1 homolog 2, mismatch repair system component; minus strand). Cytogenetic location: 7p22.1.
Variant type: single nucleotide variant.
Coding change: c.659G>C on transcript NM_000535.7 (MANE Select); coding-DNA position 659, G replaced by C.
Protein change: p.Ser220Thr; replaces serine 220 with threonine.
Molecular consequence: missense variant. On other transcripts: 5 prime UTR variant (2), non-coding transcript variant (1), intron variant (1).
Genome position (GRCh38, 1-based): chr7:5,999,154, C>G on the plus strand (G>C on the coding strand, the complement: PMS2 is on the minus strand). VCF-style: chr7-5999154-C-G. GRCh37 (hg19) VCF-style: chr7-6038785-C-G.
Other names: c.659G>C (NM_000535.6); c.254G>C, p.Ser85Thr (NM_001322009.2, NM_001322010.2, NM_001406887.1 and 20 more transcripts); c.-275G>C (NM_001322011.2, NM_001322012.2); c.659G>C, p.Ser220Thr (NM_001322014.2, NM_001406870.1, NM_001406871.1 and 4 more transcripts); c.350G>C, p.Ser117Thr (NM_001322015.2, NM_001406875.1, NM_001406877.1 and 6 more transcripts); c.845G>C, p.Ser282Thr (NM_001406866.1); c.683G>C, p.Ser228Thr (NM_001406868.1); c.341G>C, p.Ser114Thr (NM_001406876.1, NM_001406883.1, NM_001406901.1 and 4 more transcripts); and 2 more; short protein forms S85T, S228T, S282T, S108T, S114T, S117T, S220T.
Identifiers: ClinVar variation 1996227 (VCV001996227.6), dbSNP rs769967916, ClinGen allele CA366743902.